The following is an entry in ClinVar:

NM_001035.3(RYR2):c.2698C>T (p.Leu900Phe)

Gene: RYR2 (ryanodine receptor 2; plus strand). Cytogenetic location: 1q43.
Variant type: single nucleotide variant.
Coding change: c.2698C>T on transcript NM_001035.3 (MANE Select); coding-DNA position 2698, C replaced by T.
Protein change: p.Leu900Phe; replaces leucine 900 with phenylalanine.
Molecular consequence: missense variant.
Genome position (GRCh38, 1-based): chr1:237,506,794, C>T. VCF-style: chr1-237506794-C-T. GRCh37 (hg19) VCF-style: chr1-237670094-C-T.
Other names: short protein forms L900F.
Identifiers: ClinVar variation 1041552 (VCV001041552.11), dbSNP rs754314526, ClinGen allele CA086108.
Genomic context (GRCh38, chr1:237,506,794, plus strand): 5'-AGAATAAGAGAAAAACTGGCAGAGAATATCCATGAACTCTGGGTTATGAATAAAATTGAG[C>T]TTGGCTGGCAGTATGGTCCGGTATGTAATTTTGAAATTTATTTTCAGATTCTGTGAATAC-3'
Protein context (NP_001026.2, residues 890-910): HELWVMNKIE[Leu900Phe]GWQYGPVRDD

ClinVar aggregate classification (germline): Conflicting classifications of pathogenicity. Review status: criteria provided, conflicting classifications (1 of 4 stars). 2 submissions from 2 submitters: Uncertain significance (1); Likely benign (1). Last evaluated 2025-01-21.

Conditions:
Catecholaminergic polymorphic ventricular tachycardia 1. Also called: VENTRICULAR TACHYCARDIA, CATECHOLAMINERGIC POLYMORPHIC, 1, WITH OR WITHOUT ATRIAL DYSFUNCTION AND/OR DILATED CARDIOMYOPATHY; VENTRICULAR TACHYCARDIA, STRESS-INDUCED POLYMORPHIC 1; RYR2-Related Catecholaminergic Polymorphic Ventricular Tachycardia. Identifiers: Orphanet 3286, MedGen C1631597, MONDO:0011484, OMIM 604772.
Cardiomyopathy (CMYO). Also called: Cardiomyopathies. Identifiers: Orphanet 167848, MedGen C0878544, MONDO:0004994, HP:0001638. Inheritance: Various modes of inheritance.

Allele frequency attached by ClinVar (database versions not stated): gnomAD exomes below 0.00001 and 0.00001; gnomAD 0.00001; TOPMed 0.00001; ExAC 0.00002.
gnomAD v4.1: 2 of 1,613,370 alleles (0.00012%); highest among the groups gnomAD compares: Admixed American, 0.0017%; no homozygotes.

Submissions (2):

Labcorp Genetics (formerly Invitae), Labcorp
Classification: Likely benign for Catecholaminergic polymorphic ventricular tachycardia 1. Last evaluated: 2025-01-21. Review status: criteria provided, single submitter. Criteria: Invitae Variant Classification Sherloc (09022015). Collection method: clinical testing. Allele origin: germline.

Color Diagnostics, LLC DBA Color Health
Classification: Uncertain significance for Cardiomyopathy. Last evaluated: 2024-06-03. Review status: criteria provided, single submitter. Criteria: ACMG Guidelines, 2015. Collection method: clinical testing. Allele origin: germline.
Comment: This missense variant replaces leucine with phenylalanine at codon 900 of the RYR2 protein. Computational prediction is inconclusive regarding the impact of this variant on protein structure and function (internally defined REVEL score threshold 0.5 < inconclusive < 0.7, PMID: 27666373). To our knowledge, functional studies have not been reported for this variant. This variant has not been reported in individuals affected with RYR2-related disorders in the literature. This variant has been identified in 3/248942 chromosomes in the general population by the Genome Aggregation Database (gnomAD). The available evidence is insufficient to determine the role of this variant in disease conclusively. Therefore, this variant is classified as a Variant of Uncertain Significance.